The following is an entry in ClinVar:

NM_000147.5(FUCA1):c.1339_1351del (p.Pro448fs)

Gene: FUCA1 (alpha-L-fucosidase 1; minus strand). Cytogenetic location: 1p36.11.
Variant type: Deletion.
Coding change: c.1339_1351del on transcript NM_000147.5 (MANE Select); coding-DNA positions 1339 to 1351, 13 bases deleted (TTGCCACCCTCTG).
Protein change: p.Pro448fs; shifts the reading frame from proline 448.
Molecular consequence: frameshift variant. On other transcripts: non-coding transcript variant (4).
Genome position (GRCh38, 1-based): chr1:23,845,765-23,845,777, CAGAGGGTGGCAA deleted on the plus strand (TTGCCACCCTCTG on the coding strand, the reverse complement: FUCA1 is on the minus strand); deleting any 13 consecutive bases within chr1:23,845,765-23,845,778 gives the same sequence; the c. name uses the placement nearest the transcript's 3' end. VCF-style (leftmost placement, unchanged base first): chr1-23845764-GCAGAGGGTGGCAA-G. GRCh37 (hg19) VCF-style: chr1-24172254-GCAGAGGGTGGCAA-G.
Other names: short protein forms P448fs.
Identifiers: ClinVar variation 4813197 (VCV004813197.1).

ClinVar aggregate classification (germline): Pathogenic (1 of 4 stars; one submission).

Conditions:
Fucosidosis. Also called: ALPHA-L-FUCOSIDASE DEFICIENCY. Identifiers: Orphanet 349, MedGen C0016788, MONDO:0009254, OMIM 230000.

Submission:

Medical Molecular Genetics Department, National Research Center
Classification: Pathogenic for Fucosidosis. Last evaluated: 2024-11-25. Review status: criteria provided, single submitter. Criteria: ACMG Guidelines, 2015. Collection method: clinical testing. Allele origin: germline. Inheritance: Autosomal recessive inheritance. Affected: yes.
Comment: The NM_000147.5:c.1339_1351del variant in FUCA1 is a frameshift deletion predicted to shift the reading frame beginning at codon 448 and introduce a premature termination codon nine amino acids downstream (p.Pro448Serfs*9). This alteration is expected to result in a truncated protein or nonsense-mediated mRNA decay, leading to an absent or disrupted protein product. As loss of function is a known disease mechanism for FUCA1, this provides very strong evidence of pathogenicity (PVS1). The variant is novel, has not been previously reported in ClinVar, and is absent from population databases, including Genome Aggregation Database (gnomAD) (v2.1.1), supporting PM2_Supporting (PM2_Sup). In summary, according to the ACMG/AMP guidelines, this variant meets the criteria to be classified as pathogenic for fucosidosis type I based on the following evidence: PVS1, PM2_Supporting, PP4.